The following is an entry in ClinVar:

ClinVar aggregate classification (germline): Benign. Review status: criteria provided, multiple submitters, no conflicts (2 of 4 stars). 3 submissions from 3 submitters: Benign (3). Last evaluated 2025-12-22.

Conditions:
Congenital isolated adrenocorticotropic hormone deficiency. Also called: ACTH deficiency; Adrenocorticotropic hormone deficiency; ACTH DEFICIENCY, ISOLATED. Identifiers: Orphanet 199296, MedGen C0342388, MONDO:0008720, OMIM 201400, HP:0011748.

Allele frequency attached by ClinVar (database versions not stated): gnomAD exomes 0.00073 and 0.00176; ExAC 0.00192; gnomAD 0.00547 and 0.00575; TOPMed 0.00619; ESP Exome Variant Server 0.00646; 1000 Genomes Project 30x 0.00765; 1000 Genomes Project 0.00779.
gnomAD v4.1: 1,977 of 1,614,216 alleles (0.12%); highest among the groups gnomAD compares: African/African-American, 1.8%; 18 homozygotes.

Submissions (3):

Labcorp Genetics (formerly Invitae), Labcorp
Classification: Benign. Last evaluated: 2025-12-22. Review status: criteria provided, single submitter. Criteria: Invitae Variant Classification Sherloc (09022015). Collection method: clinical testing. Allele origin: germline.

Illumina Laboratory Services, Illumina
Classification: Benign for Congenital isolated adrenocorticotropic hormone deficiency. Last evaluated: 2017-04-27. Review status: criteria provided, single submitter. Criteria: ICSL Variant Classification Criteria 13 December 2019. Collection method: clinical testing. Allele origin: germline.
Comment: This variant was observed as part of a predisposition screen in an ostensibly healthy population. A literature search was performed for the gene, cDNA change, and amino acid change (where applicable). No publications were found based on this search. Allele frequency data from public databases was too high to be consistent with this variant causing disease. Therefore, this variant is classified as benign.

Breakthrough Genomics
Classification: Benign. Review status: criteria provided, single submitter. Criteria: ACMG Guidelines, 2015. Collection method: not provided. Allele origin: germline. Inheritance: Autosomal recessive inheritance. Affected: yes.

NM_005149.3(TBX19):c.1122C>T (p.His374=)

Gene: TBX19 (T-box transcription factor 19; plus strand). Cytogenetic location: 1q24.2.
Variant type: single nucleotide variant.
Coding change: c.1122C>T on transcript NM_005149.3 (MANE Select); coding-DNA position 1122, C replaced by T.
Protein change: p.His374=; no amino-acid change (histidine 374 retained).
Molecular consequence: synonymous variant.
Genome position (GRCh38, 1-based): chr1:168,312,777, C>T. VCF-style: chr1-168312777-C-T. GRCh37 (hg19) VCF-style: chr1-168282015-C-T.
Identifiers: ClinVar variation 720339 (VCV000720339.13), dbSNP rs34885709, ClinGen allele CA1230768.